The following is an entry in ClinVar:

NM_000020.3(ACVRL1):c.1315AAG[1] (p.Lys440del)

Gene: ACVRL1 (activin A receptor like type 1; plus strand). Cytogenetic location: 12q13.13.
Variant type: Microsatellite.
Coding change: c.1315AAG[1] on transcript NM_000020.3 (MANE Select); one copy of the 3-base unit AAG starting at c.1315; the reference has two copies in a row; one copy, 3 bases deleted; also written c.1318_1320del.
Protein change: p.Lys440del; deletes lysine 440.
Molecular consequence: inframe deletion.
Genome position (GRCh38, 1-based): chr12:51,919,056-51,919,058, AAG deleted; deleting any 3 consecutive bases within chr12:51,919,052-51,919,058 gives the same sequence; the position shown is the placement nearest the transcript's 3' end. VCF-style (leftmost placement, unchanged base first): chr12-51919051-TGAA-T. GRCh37 (hg19) VCF-style: chr12-52312835-TGAA-T.
Other names: p.Lys440del; c.1315AAG[1], p.Lys440del (NM_001077401.2); c.1318_1320del (NM_000020.3); short protein forms K440del.
Identifiers: ClinVar variation 1448863 (VCV001448863.11), dbSNP rs1940907616, ClinGen allele CA2036239815.
Genomic context (GRCh38, chr12:51,919,051, plus strand): 5'-TGGAGGACTATAGACCACCCTTCTATGATGTGGTGCCCAATGACCCCAGCTTTGAGGACA[TGAA>T]GAAGGTGGTGTGTGTGGATCAGCAGACCCCCACCATCCCTAACCGGCTGGCTGCAGACCC-3'

ClinVar aggregate classification (germline): Conflicting classifications of pathogenicity. Review status: criteria provided, conflicting classifications (1 of 4 stars). 3 submissions from 3 submitters: Likely pathogenic (2); Uncertain significance (1). Last evaluated 2025-09-05.

Conditions:
Telangiectasia, hereditary hemorrhagic, type 2 (HHT2). Also called: Telangiectasia, hereditary hemorrhagic, type II; ACVRL1-Related Hereditary Hemorrhagic Telangiectasia. Identifiers: Orphanet 774, MedGen C1838163, MONDO:0010880, OMIM 600376. Disease mechanism: loss of function.
Cardiovascular phenotype. Identifiers: MedGen CN230736.

Submissions (3):

Mayo Clinic Laboratories, Mayo Clinic
Classification: Likely pathogenic. Last evaluated: 2025-09-05. Review status: criteria provided, single submitter. Criteria: ACMG Guidelines, 2015. Collection method: clinical testing. Allele origin: germline. Observed: 2 variant alleles.
Comment: PP4_moderate, PM2_supporting, PM4, PS4_moderate

Labcorp Genetics (formerly Invitae), Labcorp
Classification: Uncertain significance for Telangiectasia, hereditary hemorrhagic, type 2. Last evaluated: 2021-04-30. Review status: criteria provided, single submitter. Criteria: Invitae Variant Classification Sherloc (09022015). Collection method: clinical testing. Allele origin: germline.
Comment: In summary, the available evidence is currently insufficient to determine the role of this variant in disease. Therefore, it has been classified as a Variant of Uncertain Significance. Algorithms developed to predict the effect of sequence changes on RNA splicing suggest that this variant may create or strengthen a splice site, but this prediction has not been confirmed by published transcriptional studies. This variant has been observed in individual(s) with hereditary hemorrhagic telangiectasia (PMID: 16752392, Invitae). This variant is not present in population databases (ExAC no frequency). This variant, c.1318_1320del, results in the deletion of 1 amino acid(s) of the ACVRL1 protein (p.Lys440del), but otherwise preserves the integrity of the reading frame.

Ambry Genetics
Classification: Likely pathogenic for Cardiovascular phenotype. Last evaluated: 2017-09-11. Review status: criteria provided, single submitter. Criteria: Ambry Variant Classification Scheme 2023. Collection method: clinical testing. Allele origin: germline.
Comment: The c.1318_1320delAAG variant (also known as p.K440del) is located in coding exon 8 of the ACVRL1 gene. This variant results from an in-frame AAG deletion at nucleotide positions 1318 to 1320. This results in the in-frame deletion of a lysine at codon 440. This variant was described in one individual with epistaxis, telangiectasias, arteriovenous malformations (AVM), and family history of hereditary hemorrhagic telangiectasia (HHT) (Bossler AD et al. Hum. Mutat., 2006 Jul;27:667-75). In addition, this variant was found to segregate with disease in two generations of a HHT family (Bayrak-Toydemir P et al. ACVRL1 Database [database online] Salt Lake City, UT: ARUP Laboratories/University of Utah; accessed September 11, 2017; private communication). Based on the majority of available evidence to date, this variant is likely to be pathogenic.

Literature cited by the submitters: PubMed 16752392 (cited by 3 submitters).